The following is an entry in ClinVar:

NM_001999.4(FBN2):c.2219C>T (p.Pro740Leu)

Gene: FBN2 (fibrillin 2; minus strand). Cytogenetic location: 5q23.3.
Variant type: single nucleotide variant.
Coding change: c.2219C>T on transcript NM_001999.4 (MANE Select); coding-DNA position 2219, C replaced by T.
Protein change: p.Pro740Leu; replaces proline 740 with leucine.
Molecular consequence: missense variant.
Genome position (GRCh38, 1-based): chr5:128,369,211, G>A on the plus strand (C>T on the coding strand, the complement: FBN2 is on the minus strand). VCF-style: chr5-128369211-G-A. GRCh37 (hg19) VCF-style: chr5-127704904-G-A.
Other names: short protein forms P740L.
Identifiers: ClinVar variation 1313051 (VCV001313051.2), dbSNP rs1204171410, ClinGen allele CA360738861.

ClinVar aggregate classification (germline): Uncertain significance (1 of 4 stars; one submission).

gnomAD v4.1: 2 of 1,614,124 alleles (0.00012%); highest among the groups gnomAD compares: Non-Finnish European, 0.00017%; no homozygotes.

Submission:

GeneDx
Classification: Uncertain significance. Last evaluated: 2020-07-07. Review status: criteria provided, single submitter. Criteria: GeneDx Variant Classification Process June 2021. Collection method: clinical testing. Allele origin: germline. Affected: yes.
Comment: Has not been previously published as pathogenic or benign to our knowledge; Not observed in large population cohorts (Lek et al., 2016); In silico analysis supports that this missense variant has a deleterious effect on protein structure/function; Does not affect a cysteine residue within a calcium-binding EGF-like domain of the FBN2 gene; cysteine substitutions in the calcium-binding EGF-like domains represent the majority of pathogenic missense changes associated with FBN2-related disorders (Collod-Beroud et al., 2003; Frederic et al., 2009).